The following is an entry in ClinVar:

NM_007050.6(PTPRT):c.1056C>T (p.Pro352=)

Gene: PTPRT (protein tyrosine phosphatase receptor type T; minus strand). Cytogenetic location: 20q12.
Variant type: single nucleotide variant.
Coding change: c.1056C>T on transcript NM_007050.6 (MANE Select); coding-DNA position 1056, C replaced by T.
Protein change: p.Pro352=; no amino-acid change (proline 352 retained).
Molecular consequence: synonymous variant.
Genome position (GRCh38, 1-based): chr20:42,677,963, G>A on the plus strand (C>T on the coding strand, the complement: PTPRT is on the minus strand). VCF-style: chr20-42677963-G-A. GRCh37 (hg19) VCF-style: chr20-41306603-G-A.
Other names: c.1056C>T, p.Pro352= (NM_001394024.1, NM_001394025.1, NM_001394026.1 and 1 more transcripts).
Identifiers: ClinVar variation 3045367 (VCV003045367.2), dbSNP rs190523853, ClinGen allele CA9864679.

ClinVar aggregate classification (germline): Likely benign (0 of 4 stars; one submission).

Conditions:
PTPRT-related disorder. Also called: PTPRT-related condition.

Allele frequency attached by ClinVar (database versions not stated): gnomAD exomes 0.00009; 1000 Genomes Project 30x 0.00016; ExAC 0.00019; 1000 Genomes Project 0.00020; ESP Exome Variant Server 0.00032; gnomAD 0.00084; TOPMed 0.00088.
gnomAD v4.1: 272 of 1,614,124 alleles (0.017%); highest among the groups gnomAD compares: African/African-American, 0.26%; 3 homozygotes.

Submission:

PreventionGenetics, part of Exact Sciences
Classification: Likely benign for PTPRT-related condition. Last evaluated: 2019-10-28. Review status: no assertion criteria provided. Collection method: clinical testing. Allele origin: germline.
Comment: This variant is classified as likely benign based on ACMG/AMP sequence variant interpretation guidelines (Richards et al. 2015 PMID: 25741868, with internal and published modifications).